The following is an entry in ClinVar:

NM_003477.3(PDHX):c.1261G>T (p.Gly421Trp)

Gene: PDHX (pyruvate dehydrogenase complex component X; plus strand). Cytogenetic location: 11p13.
Variant type: single nucleotide variant.
Coding change: c.1261G>T on transcript NM_003477.3 (MANE Select); coding-DNA position 1261, G replaced by T.
Protein change: p.Gly421Trp; replaces glycine 421 with tryptophan.
Molecular consequence: missense variant.
Genome position (GRCh38, 1-based): chr11:34,994,927, G>T. VCF-style: chr11-34994927-G-T. GRCh37 (hg19) VCF-style: chr11-35016474-G-T.
Other names: c.1081G>T, p.Gly361Trp (NM_001135024.2); c.580G>T, p.Gly194Trp (NM_001166158.2); short protein forms G194W, G361W, G421W.
Identifiers: ClinVar variation 1716291 (VCV001716291.5), dbSNP rs1475920170, ClinGen allele CA380126700.

ClinVar aggregate classification (germline): Uncertain significance (1 of 4 stars; one submission).

Submission:

Labcorp Genetics (formerly Invitae), Labcorp
Classification: Uncertain significance. Last evaluated: 2022-10-24. Review status: criteria provided, single submitter. Criteria: Invitae Variant Classification Sherloc (09022015). Collection method: clinical testing. Allele origin: germline.
Comment: In summary, the available evidence is currently insufficient to determine the role of this variant in disease. Therefore, it has been classified as a Variant of Uncertain Significance. Advanced modeling of protein sequence and biophysical properties (such as structural, functional, and spatial information, amino acid conservation, physicochemical variation, residue mobility, and thermodynamic stability) performed at Invitae indicates that this missense variant is expected to disrupt PDHX protein function. This variant has not been reported in the literature in individuals affected with PDHX-related conditions. This variant is not present in population databases (gnomAD no frequency). This sequence change replaces glycine, which is neutral and non-polar, with tryptophan, which is neutral and slightly polar, at codon 421 of the PDHX protein (p.Gly421Trp).